The following is an entry in ClinVar:

NM_015910.7(WDPCP):c.916G>A (p.Val306Ile)

Gene: WDPCP (WD repeat containing planar cell polarity effector; minus strand). Cytogenetic location: 2p15.
Variant type: single nucleotide variant.
Coding change: c.916G>A on transcript NM_015910.7 (MANE Select); coding-DNA position 916, G replaced by A.
Protein change: p.Val306Ile; replaces valine 306 with isoleucine.
Molecular consequence: missense variant. On other transcripts: non-coding transcript variant (3).
Genome position (GRCh38, 1-based): chr2:63,404,567, C>T on the plus strand (G>A on the coding strand, the complement: WDPCP is on the minus strand). VCF-style: chr2-63404567-C-T. GRCh37 (hg19) VCF-style: chr2-63631702-C-T.
Other names: c.916G>A (NM_015910.5); c.439G>A, p.Val147Ile (NM_001042692.3); c.844G>A, p.Val282Ile (NM_001354044.2); c.916G>A, p.Val306Ile (NM_001354045.2); short protein forms V147I, V306I, V282I.
Identifiers: ClinVar variation 3586826 (VCV003586826.2).

ClinVar aggregate classification (germline): Uncertain significance. Review status: criteria provided, multiple submitters, no conflicts (2 of 4 stars). 2 submissions from 2 submitters: Uncertain significance (2). Last evaluated 2025-09-17.

Conditions:
Bardet-Biedl syndrome 15 (BBS15). Identifiers: Orphanet 110, MedGen C3150127, MONDO:0014443, OMIM 615992.
Heart defect - tongue hamartoma - polysyndactyly syndrome. Also called: Congenital heart defects, hamartomas of tongue, and polysyndactyly. Identifiers: Orphanet 1338, MedGen C1857587, MONDO:0009008, OMIM 217085.
WDPCP-related disorder. Also called: WDPCP-related condition.

gnomAD v4.1: 7 of 1,613,824 alleles (0.00043%); highest among the groups gnomAD compares: Admixed American, 0.0017%; no homozygotes.

Submissions (2):

PreventionGenetics, part of Exact Sciences
Classification: Uncertain significance for WDPCP-related condition. Last evaluated: 2025-09-17. Review status: criteria provided, single submitter. Criteria: ACMG Guidelines, 2015. Collection method: clinical testing. Allele origin: germline.
Comment: The WDPCP c.916G>A variant is predicted to result in the amino acid substitution p.Val306Ile. To our knowledge, this variant has not been reported in the literature. This variant is reported in 0.00089% of alleles in individuals of European (Non-Finnish) descent in gnomAD. At this time, the clinical significance of this variant is uncertain due to the absence of conclusive functional and genetic evidence.

Fulgent Genetics
Classification: Uncertain significance for Heart defect - tongue hamartoma - polysyndactyly syndrome; Bardet-Biedl syndrome 15. Last evaluated: 2024-02-26. Review status: criteria provided, single submitter. Criteria: ACMG Guidelines, 2015. Collection method: clinical testing. Allele origin: germline.